The following is an entry in ClinVar:

ClinVar aggregate classification (germline): Conflicting classifications of pathogenicity. Review status: criteria provided, conflicting classifications (1 of 4 stars). 3 submissions from 3 submitters: Likely pathogenic (1); Uncertain significance (1). 1 of the submissions does not count toward it. Last evaluated 2026-01-09.

Conditions:
Usher syndrome type 1C. Also called: USHER SYNDROME, TYPE I, ACADIAN VARIETY. Identifiers: Orphanet 231169, Orphanet 886, MedGen C1848604, MONDO:0010171, OMIM 276904.
Autosomal recessive nonsyndromic hearing loss 18A. Also called: Deafness, autosomal recessive 18A; DEAFNESS, AUTOSOMAL RECESSIVE 18. Identifiers: Orphanet 90636, MedGen C1865870, MONDO:0011192, OMIM 602092.

Submissions (3):

Myriad Genetics, Inc.
Classification: Uncertain significance for Usher syndrome type 1C. Last evaluated: 2026-01-09. Review status: criteria provided, single submitter. Criteria: Myriad Autosomal Dominant, Autosomal Recessive and X-Linked Classification Criteria (2023). Collection method: clinical testing. Allele origin: unknown.
Comment: NM_005709.3(USH1C):c.1285-7583dupC is an intronic variant classified as a variant of uncertain significance in the context of USH1C-related disorders. c.1285-7583dupC has not been observed in cases with relevant disease. Relevant functional assessments of this variant are not available in the literature. c.1285-7583dupC has not been observed in referenced population frequency databases. In summary, there is insufficient evidence to classify NM_005709.3(USH1C):c.1285-7583dupC as pathogenic or benign. Please note: this variant was assessed in the context of healthy population screening.

GeneDx
Classification: Likely pathogenic. Last evaluated: 2025-02-05. Review status: criteria provided, single submitter. Criteria: GeneDx Variant Classification Process June 2021. Collection method: clinical testing. Allele origin: germline. Affected: yes.
Comment: Frameshift variant predicted to result in protein truncation or nonsense mediated decay in a gene for which loss of function is a known mechanism of disease; Not observed at significant frequency in large population cohorts (gnomAD); Has not been previously published as pathogenic or benign to our knowledge; Reported using an alternate transcript of the gene

Counsyl
Classification: Uncertain significance for Usher syndrome type 1C; Autosomal recessive nonsyndromic hearing loss 18A. Last evaluated: 2018-01-31. Review status: no assertion criteria provided. Collection method: clinical testing. Allele origin: unknown. Not counted in ClinVar's aggregate classification.

NM_153676.4(USH1C):c.1806dup (p.Ile603fs)

Gene: USH1C (USH1 protein network component harmonin; minus strand). Cytogenetic location: 11p15.1.
Variant type: Duplication.
Coding change: c.1806dup on transcript NM_153676.4 (MANE Select); coding-DNA position 1806, one base duplicated (C; older notation c.1806dupC).
Protein change: p.Ile603fs; shifts the reading frame from isoleucine 603.
Molecular consequence: frameshift variant. On other transcripts: intron variant (2).
Genome position (GRCh38, 1-based): chr11:17,509,563, G duplicated on the plus strand (C on the coding strand, the reverse complement: USH1C is on the minus strand); the first of 6 consecutive G bases (chr11:17,509,563-17,509,568); duplicating any one gives the same sequence. VCF-style (leftmost placement, unchanged base first): chr11-17509562-T-TG. GRCh37 (hg19) VCF-style: chr11-17531109-T-TG.
Other names: c.1228-7588dup (NM_001297764.2); c.1285-7588dup (NM_005709.4); c.1285-7583dupC (NM_005709.3); short protein forms I603fs.
Identifiers: ClinVar variation 556479 (VCV000556479.4), dbSNP rs765346539, ClinGen allele CA658822056.